The following is an entry in ClinVar:

NM_001104631.2(PDE4D):c.908T>C (p.Met303Thr)

Gene: PDE4D (phosphodiesterase 4D; minus strand). Cytogenetic location: 5q11.2.
Variant type: single nucleotide variant.
Coding change: c.908T>C on transcript NM_001104631.2 (MANE Select); coding-DNA position 908, T replaced by C.
Protein change: p.Met303Thr; replaces methionine 303 with threonine.
Molecular consequence: missense variant. On other transcripts: initiator codon variant (2).
Genome position (GRCh38, 1-based): chr5:59,038,872, A>G on the plus strand (T>C on the coding strand, the complement: PDE4D is on the minus strand). VCF-style: chr5-59038872-A-G. GRCh37 (hg19) VCF-style: chr5-58334699-A-G.
Other names: c.908T>C (NM_001104631.1); c.725T>C, p.Met242Thr (NM_001165899.2, NM_001364599.1); c.716T>C, p.Met239Thr (NM_001197218.2); c.542T>C, p.Met181Thr (NM_001197219.2); c.518T>C, p.Met173Thr (NM_001197220.2); c.2T>C, p.Met1Thr (NM_001197221.2, NM_001364603.1); c.236T>C, p.Met79Thr (NM_001197222.2); c.695T>C, p.Met232Thr (NM_001349241.2); and 3 more; short protein forms M173T, M181T, M1T, M239T, M167T, M303T, M193T, M47T.
Identifiers: ClinVar variation 1357174 (VCV001357174.9), dbSNP rs2153393425, ClinGen allele CA359818234.

ClinVar aggregate classification (germline): Conflicting classifications of pathogenicity. Review status: criteria provided, conflicting classifications (1 of 4 stars). 2 submissions from 2 submitters: Likely pathogenic (1); Uncertain significance (1). Last evaluated 2024-12-04.

Submissions (2):

GeneDx
Classification: Likely pathogenic. Last evaluated: 2024-12-04. Review status: criteria provided, single submitter. Criteria: GeneDx Variant Classification Process June 2021. Collection method: clinical testing. Allele origin: germline. Affected: yes.
Comment: Not observed at significant frequency in large population cohorts (gnomAD); In silico analysis supports that this missense variant has a deleterious effect on protein structure/function; Per HGMD, this variant is reported in association with acrodysostosis; however, the published article was not able to be evaluated (PMID: 31665847); This variant is associated with the following publications: (PMID: 31665847)

Labcorp Genetics (formerly Invitae), Labcorp
Classification: Uncertain significance. Last evaluated: 2022-07-12. Review status: criteria provided, single submitter. Criteria: Invitae Variant Classification Sherloc (09022015). Collection method: clinical testing. Allele origin: germline.
Comment: In summary, the available evidence is currently insufficient to determine the role of this variant in disease. Therefore, it has been classified as a Variant of Uncertain Significance. Algorithms developed to predict the effect of missense changes on protein structure and function (SIFT, PolyPhen-2, Align-GVGD) all suggest that this variant is likely to be disruptive. ClinVar contains an entry for this variant (Variation ID: 1357174). This missense change has been observed in individual(s) with clinical features of PDE4D-related conditions (PMID: 31665847). This variant is not present in population databases (gnomAD no frequency). This sequence change replaces methionine, which is neutral and non-polar, with threonine, which is neutral and polar, at codon 303 of the PDE4D protein (p.Met303Thr).

Literature cited by the submitters: PubMed 31665847 (cited by Labcorp Genetics (formerly Invitae), Labcorp).